The following is an entry in ClinVar:

NM_015151.4(DIP2A):c.2388C>T (p.Ile796=)

Gene: DIP2A (disco interacting protein 2 homolog A; plus strand). Cytogenetic location: 21q22.3.
Variant type: single nucleotide variant.
Coding change: c.2388C>T on transcript NM_015151.4 (MANE Select); coding-DNA position 2388, C replaced by T.
Protein change: p.Ile796=; no amino-acid change (isoleucine 796 retained).
Molecular consequence: synonymous variant.
Genome position (GRCh38, 1-based): chr21:46,545,955, C>T. VCF-style: chr21-46545955-C-T. GRCh37 (hg19) VCF-style: chr21-47965868-C-T.
Other names: c.2259C>T, p.Ile753= (NM_001146115.2); c.2376C>T, p.Ile792= (NM_001146116.2); c.2391C>T, p.Ile797= (NM_001353942.2); c.2388C>T, p.Ile796= (NM_001353943.2, NM_001410751.1, NM_206889.3 and 2 more transcripts); c.2139C>T, p.Ile713= (NM_001353944.2).
Identifiers: ClinVar variation 3035876 (VCV003035876.2), dbSNP rs201630699, ClinGen allele CA10082330.

ClinVar aggregate classification (germline): Benign (0 of 4 stars; one submission).

Conditions:
DIP2A-related disorder. Also called: DIP2A-related condition.

Allele frequency attached by ClinVar (database versions not stated): gnomAD exomes 0.00044; ExAC 0.00086; ESP Exome Variant Server 0.00119; TOPMed 0.00136; 1000 Genomes Project 0.00180; 1000 Genomes Project 30x 0.00187.
gnomAD v4.1: 885 of 1,613,974 alleles (0.055%); highest among the groups gnomAD compares: African/African-American, 0.41%; 4 homozygotes.

Submission:

PreventionGenetics, part of Exact Sciences
Classification: Benign for DIP2A-related condition. Last evaluated: 2019-08-09. Review status: no assertion criteria provided. Collection method: clinical testing. Allele origin: germline.
Comment: This variant is classified as benign based on ACMG/AMP sequence variant interpretation guidelines (Richards et al. 2015 PMID: 25741868, with internal and published modifications).